The following is an entry in ClinVar:

ClinVar aggregate classification (germline): Uncertain significance (1 of 4 stars; one submission).

gnomAD v4.1: 1 of 1,613,314 alleles (0.000062%); highest among the groups gnomAD compares: Non-Finnish European, 0.000085%; no homozygotes.

Submission:

GeneDx
Classification: Uncertain significance. Last evaluated: 2025-07-19. Review status: criteria provided, single submitter. Criteria: GeneDx Variant Classification Process June 2021. Collection method: clinical testing. Allele origin: germline. Affected: yes.
Comment: Not observed at significant frequency in large population cohorts (gnomAD); In silico analysis suggests that this missense variant does not alter protein structure/function; Has not been previously published as pathogenic or benign to our knowledge

NM_015021.3(ZNF292):c.7709C>G (p.Ala2570Gly)

Gene: ZNF292 (zinc finger protein 292; plus strand). Cytogenetic location: 6q14.3.
Variant type: single nucleotide variant.
Coding change: c.7709C>G on transcript NM_015021.3 (MANE Select); coding-DNA position 7709, C replaced by G.
Protein change: p.Ala2570Gly; replaces alanine 2570 with glycine.
Molecular consequence: missense variant.
Genome position (GRCh38, 1-based): chr6:87,261,338, C>G. VCF-style: chr6-87261338-C-G. GRCh37 (hg19) VCF-style: chr6-87971056-C-G.
Other names: c.7289C>G, p.Ala2430Gly (NM_001351444.2); short protein forms A2430G, A2570G.
Identifiers: ClinVar variation 4686104 (VCV004686104.1).
Genomic context (GRCh38, chr6:87,261,338, plus strand): 5'-CTGAACCAGCATCAGCAGCTGAGTTAAGTAGCGTGCGTAAAGAAGAAGAAACTGCTGTTG[C>G]CATTCAAACCATTGAGGAGCATCCTGCATCTTTTGACTGGAGCTCTTTTAAGCCAATGGG-3'
Protein context (NP_055836.1, residues 2560-2580): SVRKEEETAV[Ala2570Gly]IQTIEEHPAS